The following is an entry in ClinVar:

NM_014989.7(RIMS1):c.3107A>G (p.His1036Arg)

Gene: RIMS1 (regulating synaptic membrane exocytosis 1; plus strand). Cytogenetic location: 6q13.
Variant type: single nucleotide variant.
Coding change: c.3107A>G on transcript NM_014989.7 (MANE Select); coding-DNA position 3107, A replaced by G.
Protein change: p.His1036Arg; replaces histidine 1036 with arginine.
Molecular consequence: missense variant. On other transcripts: intron variant (14).
Genome position (GRCh38, 1-based): chr6:72,260,758, A>G. VCF-style: chr6-72260758-A-G. GRCh37 (hg19) VCF-style: chr6-72970461-A-G.
Other names: c.1526A>G, p.His509Arg (NM_001168407.2, NM_001350415.2, NM_001350418.2 and 13 more transcripts); c.1529A>G, p.His510Arg (NM_001168408.2, NM_001350414.2, NM_001350416.2 and 10 more transcripts); c.1286A>G, p.His429Arg (NM_001168409.2, NM_001350464.2, NM_001350465.2 and 2 more transcripts); c.1484A>G, p.His495Arg (NM_001168410.2, NM_001350470.2, NM_001350473.2); c.1457A>G, p.His486Arg (NM_001350421.2, NM_001350430.2, NM_001350437.2 and 2 more transcripts); c.1460A>G, p.His487Arg (NM_001350424.2, NM_001350428.2, NM_001350459.2 and 1 more transcripts); c.1283A>G, p.His428Arg (NM_001350461.2, NM_001350463.2); c.1481A>G, p.His494Arg (NM_001350472.2); and 6 more; short protein forms H1036R, H428R, H429R, H486R, H487R, H494R, H495R, H509R.
Identifiers: ClinVar variation 1017295 (VCV001017295.9), dbSNP rs2077606163, ClinGen allele CA364683902.

ClinVar aggregate classification (germline): Uncertain significance. Review status: criteria provided, multiple submitters, no conflicts (2 of 4 stars). 2 submissions from 2 submitters: Uncertain significance (2). Last evaluated 2024-08-14.

Allele frequency attached by ClinVar (database versions not stated): gnomAD exomes below 0.00001.
gnomAD v4.1: 4 of 1,612,332 alleles (0.00025%); highest among the groups gnomAD compares: South Asian, 0.0011%; no homozygotes.

Submissions (2):

Ambry Genetics
Classification: Uncertain significance. Last evaluated: 2024-08-14. Review status: criteria provided, single submitter. Criteria: Ambry Variant Classification Scheme 2023. Collection method: clinical testing. Allele origin: germline.

Labcorp Genetics (formerly Invitae), Labcorp
Classification: Uncertain significance. Last evaluated: 2022-03-10. Review status: criteria provided, single submitter. Criteria: Invitae Variant Classification Sherloc (09022015). Collection method: clinical testing. Allele origin: germline.
Comment: This variant is not present in population databases (gnomAD no frequency). This variant has not been reported in the literature in individuals affected with RIMS1-related conditions. ClinVar contains an entry for this variant (Variation ID: 1017295). Algorithms developed to predict the effect of missense changes on protein structure and function are either unavailable or do not agree on the potential impact of this missense change (SIFT: "Tolerated"; PolyPhen-2: "Probably Damaging"; Align-GVGD: "Class C0"). In summary, the available evidence is currently insufficient to determine the role of this variant in disease. Therefore, it has been classified as a Variant of Uncertain Significance. This sequence change replaces histidine, which is basic and polar, with arginine, which is basic and polar, at codon 1036 of the RIMS1 protein (p.His1036Arg).